The following is an entry in ClinVar:

NM_004341.5(CAD):c.4285G>A (p.Asp1429Asn)

Gene: CAD (carbamoyl-phosphate synthetase 2, aspartate transcarbamylase, and dihydroorotase; plus strand). Cytogenetic location: 2p23.3.
Variant type: single nucleotide variant.
Coding change: c.4285G>A on transcript NM_004341.5 (MANE Select); coding-DNA position 4285, G replaced by A.
Protein change: p.Asp1429Asn; replaces aspartic acid 1429 with asparagine.
Molecular consequence: missense variant.
Genome position (GRCh38, 1-based): chr2:27,236,494, G>A. VCF-style: chr2-27236494-G-A. GRCh37 (hg19) VCF-style: chr2-27459362-G-A.
Other names: c.4096G>A, p.Asp1366Asn (NM_001306079.2); short protein forms D1366N, D1429N.
Identifiers: ClinVar variation 2124730 (VCV002124730.1), dbSNP rs376174337, ClinGen allele CA1573470.
Genomic context (GRCh38, chr2:27,236,494, plus strand): 5'-GTCACCAAGGGCTACCGCACCCGACGCTTGGCCGCTGACTTCTCCGTGCCCCTAATCATC[G>A]ATATCAAGTGCACCAAACTCTTTGTGGAGGTAACTGAGACCCATGTGCTGGGAGGGAGAC-3'
Protein context (NP_004332.2, residues 1419-1439): AADFSVPLII[Asp1429Asn]IKCTKLFVEA

ClinVar aggregate classification (germline): Uncertain significance (1 of 4 stars; one submission).

Allele frequency attached by ClinVar (database versions not stated): gnomAD exomes 0.00001; ExAC 0.00003; gnomAD 0.00003; TOPMed 0.00003; ESP Exome Variant Server 0.00008.
gnomAD v4.1: 16 of 1,612,698 alleles (0.00099%); highest among the groups gnomAD compares: African/African-American, 0.004%; no homozygotes.

Submission:

Labcorp Genetics (formerly Invitae), Labcorp
Classification: Uncertain significance. Last evaluated: 2022-04-11. Review status: criteria provided, single submitter. Criteria: Invitae Variant Classification Sherloc (09022015). Collection method: clinical testing. Allele origin: germline.
Comment: This sequence change replaces aspartic acid, which is acidic and polar, with asparagine, which is neutral and polar, at codon 1429 of the CAD protein (p.Asp1429Asn). This variant is present in population databases (rs376174337, gnomAD 0.01%). This variant has not been reported in the literature in individuals affected with CAD-related conditions. Algorithms developed to predict the effect of missense changes on protein structure and function (SIFT, PolyPhen-2, Align-GVGD) all suggest that this variant is likely to be tolerated. In summary, the available evidence is currently insufficient to determine the role of this variant in disease. Therefore, it has been classified as a Variant of Uncertain Significance.